The following is an entry in ClinVar:

NM_201384.3(PLEC):c.2120T>C (p.Met707Thr)

Gene: PLEC (plectin; minus strand). Cytogenetic location: 8q24.3.
Variant type: single nucleotide variant.
Coding change: c.2120T>C on transcript NM_201384.3 (MANE Select); coding-DNA position 2120, T replaced by C.
Protein change: p.Met707Thr; replaces methionine 707 with threonine.
Molecular consequence: missense variant.
Genome position (GRCh38, 1-based): chr8:143,931,995, A>G on the plus strand (T>C on the coding strand, the complement: PLEC is on the minus strand). VCF-style: chr8-143931995-A-G. GRCh37 (hg19) VCF-style: chr8-145006163-A-G.
Other names: c.2201T>C, p.Met734Thr (NM_000445.5, NM_001410941.1); c.2078T>C, p.Met693Thr (NM_201378.4); c.2054T>C, p.Met685Thr (NM_201379.3); c.2531T>C, p.Met844Thr (NM_201380.4); c.2024T>C, p.Met675Thr (NM_201381.3); c.2120T>C, p.Met707Thr (NM_201382.4); c.2132T>C, p.Met711Thr (NM_201383.3); short protein forms M675T, M693T, M685T, M711T, M844T, M707T, M734T.
Identifiers: ClinVar variation 4782545 (VCV004782545.1).
Genomic context (GRCh38, chr8:143,931,995, plus strand): 5'-ACCTGAAAGTAGGCAGCGTTCTCCTTCAGGTGTGCCTCGATACAGCAGCACAGCTGTAGC[A>G]TCCAGCTCCACTGCGTCTGCAGGGCCGCCTGGAAGGACTGCGGGACAGCAGGTCCCGGTC-3'
Protein context (NP_958786.1, residues 697-717): QAALQTQWSW[Met707Thr]LQLCCCIEAH

ClinVar aggregate classification (germline): Uncertain significance (1 of 4 stars; one submission).

Conditions:
Epidermolysis bullosa simplex with nail dystrophy (EBS5D). Identifiers: MedGen C4225309, MONDO:0014661, OMIM 616487.
Epidermolysis bullosa simplex, Ogna type (EBS5A). Also called: Pidermolysis bullosa simplex 5A, Ogna type; EPIDERMOLYSIS BULLOSA SIMPLEX 5A, OGNA TYPE. Identifiers: Orphanet 79401, MedGen C0432317, MONDO:0007555, OMIM 131950.
Epidermolysis bullosa simplex 5B, with muscular dystrophy (EBS5B). Also called: Epidermolysis bullosa simplex with muscular dystrophy; EPIDERMOLYSIS BULLOSA SIMPLEX AND LIMB-GIRDLE MUSCULAR DYSTROPHY. Identifiers: Orphanet 257, MedGen C2931072, MONDO:0009181, OMIM 226670.
Autosomal recessive limb-girdle muscular dystrophy type 2Q (LGMDR17). Also called: MUSCULAR DYSTROPHY, LIMB-GIRDLE, AUTOSOMAL RECESSIVE 17. Identifiers: Orphanet 254361, MedGen C3150989, MONDO:0013390, OMIM 613723.
Epidermolysis bullosa simplex 5C, with pyloric atresia (EBS5C). Also called: PLEC-Related Epidermolysis Bullosa with Pyloric Atresia; Epidermolysis bullosa simplex with pyloric atresia; PLEC1-Related Epidermolysis Bullosa with Pyloric Atresia. Identifiers: Orphanet 158684, MedGen C2677349, MONDO:0012807, OMIM 612138.

gnomAD v4.1: 3 of 1,607,424 alleles (0.00019%); highest among the groups gnomAD compares: African/African-American, 0.0027%; no homozygotes.

Submission:

Labcorp Genetics (formerly Invitae), Labcorp
Classification: Uncertain significance for Autosomal recessive limb-girdle muscular dystrophy type 2Q; Epidermolysis bullosa simplex, Ogna type; Epidermolysis bullosa simplex with nail dystrophy; Epidermolysis bullosa simplex 5C, with pyloric atresia; Epidermolysis bullosa simplex 5B, with muscular dystrophy. Last evaluated: 2026-01-15. Review status: criteria provided, single submitter. Criteria: Invitae Variant Classification Sherloc (09022015). Collection method: clinical testing. Allele origin: germline.
Comment: This sequence change replaces methionine, which is neutral and non-polar, with threonine, which is neutral and polar, at codon 734 of the PLEC protein (p.Met734Thr). This variant is not present in population databases (gnomAD no frequency). This variant has not been reported in the literature in individuals affected with PLEC-related conditions. Invitae Evidence Modeling of protein sequence and biophysical properties (such as structural, functional, and spatial information, amino acid conservation, physicochemical variation, residue mobility, and thermodynamic stability) indicates that this missense variant is not expected to disrupt PLEC protein function with a negative predictive value of 80%. In summary, the available evidence is currently insufficient to determine the role of this variant in disease. Therefore, it has been classified as a Variant of Uncertain Significance.